The following is an entry in ClinVar:

NM_001710.6(CFB):c.607C>T (p.Arg203Ter)

Gene: CFB (complement factor B; plus strand). Cytogenetic location: 6p21.33.
Variant type: single nucleotide variant.
Coding change: c.607C>T on transcript NM_001710.6 (MANE Select); coding-DNA position 607, C replaced by T.
Protein change: p.Arg203Ter; replaces arginine 203 with a stop codon.
Molecular consequence: nonsense.
Genome position (GRCh38, 1-based): chr6:31,947,470, C>T. VCF-style: chr6-31947470-C-T. GRCh37 (hg19) VCF-style: chr6-31915247-C-T.
Other names: short protein forms R203*.
Identifiers: ClinVar variation 2792409 (VCV002792409.3), dbSNP rs1771507919, ClinGen allele CA363393485.

ClinVar aggregate classification (germline): Uncertain significance (1 of 4 stars; one submission).

Allele frequency attached by ClinVar (database versions not stated): gnomAD exomes below 0.00001; TOPMed below 0.00001; gnomAD 0.00001.

Submission:

Labcorp Genetics (formerly Invitae), Labcorp
Classification: Uncertain significance. Last evaluated: 2024-03-29. Review status: criteria provided, single submitter. Criteria: Invitae Variant Classification Sherloc (09022015). Collection method: clinical testing. Allele origin: germline.
Comment: This sequence change creates a premature translational stop signal (p.Arg203*) in the CFB gene. It is expected to result in an absent or disrupted protein product. However, the current clinical and genetic evidence is not sufficient to establish whether loss-of-function variants in CFB cause disease. This variant is not present in population databases (gnomAD no frequency). This variant has not been reported in the literature in individuals affected with CFB-related conditions. In summary, the available evidence is currently insufficient to determine the role of this variant in disease. Therefore, it has been classified as a Variant of Uncertain Significance.